The following is an entry in ClinVar:

NM_000202.8(IDS):c.1616C>T (p.Ser539Phe)

Gene: IDS (iduronate 2-sulfatase; minus strand). Cytogenetic location: Xq28.
Variant type: single nucleotide variant.
Coding change: c.1616C>T on transcript NM_000202.8 (MANE Select); coding-DNA position 1616, C replaced by T.
Protein change: p.Ser539Phe; replaces serine 539 with phenylalanine.
Molecular consequence: missense variant.
Genome position (GRCh38, 1-based): chrX:149,482,783, G>A on the plus strand (C>T on the coding strand, the complement: IDS is on the minus strand). VCF-style: chrX-149482783-G-A. GRCh37 (hg19) VCF-style: chrX-148564314-G-A.
Other names: c.1346C>T, p.Ser449Phe (NM_001166550.4); short protein forms S449F, S539F.
Identifiers: ClinVar variation 4088131 (VCV004088131.1).
Genomic context (GRCh38, chrX:149,482,783, plus strand): 5'-TTGCCATCCATGGTTGGCAAAACTCAAGGCATCAACAACTGGAAAAGATCTCCACCTTGG[G>A]AATCATTATACATATTGTGATCCTGCAATGGGTCAGAATCCACAAAATACAGTTCCCCTG-3'
Protein context (NP_000193.1, residues 529-549): PLQDHNMYND[Ser539Phe]QGGDLFQLLM

ClinVar aggregate classification (germline): Uncertain significance (1 of 4 stars; one submission).

Submission:

GeneDx
Classification: Uncertain significance. Last evaluated: 2025-03-28. Review status: criteria provided, single submitter. Criteria: GeneDx Variant Classification Process June 2021. Collection method: clinical testing. Allele origin: germline. Affected: yes.
Comment: Not observed at significant frequency in large population cohorts (gnomAD); In silico analysis indicates that this missense variant does not alter protein structure/function; Has not been previously published as pathogenic or benign to our knowledge